The following is an entry in ClinVar:

ClinVar aggregate classification (germline): Uncertain significance (1 of 4 stars; one submission).

Submission:

Labcorp Genetics (formerly Invitae), Labcorp
Classification: Uncertain significance. Last evaluated: 2025-11-12. Review status: criteria provided, single submitter. Criteria: Invitae Variant Classification Sherloc (09022015). Collection method: clinical testing. Allele origin: germline.
Comment: This sequence change replaces leucine, which is neutral and non-polar, with valine, which is neutral and non-polar, at codon 1136 of the MYO18B protein (p.Leu1136Val). This variant is not present in population databases (gnomAD no frequency). This variant has not been reported in the literature in individuals affected with MYO18B-related conditions. An algorithm developed to predict the effect of missense changes on protein structure and function outputs the following: PolyPhen-2: "Benign". The valine amino acid residue is found in multiple mammalian species, which suggests that this missense change does not adversely affect protein function. In summary, the available evidence is currently insufficient to determine the role of this variant in disease. Therefore, it has been classified as a Variant of Uncertain Significance.

NM_032608.7(MYO18B):c.3406C>G (p.Leu1136Val)

Gene: MYO18B (myosin XVIIIB; plus strand). Cytogenetic location: 22q12.1.
Variant type: single nucleotide variant.
Coding change: c.3406C>G on transcript NM_032608.7 (MANE Select); coding-DNA position 3406, C replaced by G.
Protein change: p.Leu1136Val; replaces leucine 1136 with valine.
Molecular consequence: missense variant.
Genome position (GRCh38, 1-based): chr22:25,846,137, C>G. VCF-style: chr22-25846137-C-G. GRCh37 (hg19) VCF-style: chr22-26242104-C-G.
Other names: c.3409C>G, p.Leu1137Val (NM_001318245.2); short protein forms L1137V, L1136V.
Identifiers: ClinVar variation 4731017 (VCV004731017.1).